The following is an entry in ClinVar:

NM_001378454.1(ALMS1):c.5359A>G (p.Asn1787Asp)

Gene: ALMS1 (ALMS1 centrosome and basal body associated protein; plus strand). Cytogenetic location: 2p13.1.
Variant type: single nucleotide variant.
Coding change: c.5359A>G on transcript NM_001378454.1 (MANE Select); coding-DNA position 5359, A replaced by G.
Protein change: p.Asn1787Asp; replaces asparagine 1787 with aspartic acid.
Molecular consequence: missense variant.
Genome position (GRCh38, 1-based): chr2:73,451,886, A>G. VCF-style: chr2-73451886-A-G. GRCh37 (hg19) VCF-style: chr2-73679013-A-G.
Other names: c.5362A>G, p.Asn1788Asp (NM_015120.4); short protein forms N1788D, N1787D.
Identifiers: ClinVar variation 220971 (VCV000220971.55), dbSNP rs45608038, ClinGen allele CA350242.

ClinVar aggregate classification (germline): Benign/Likely benign. Review status: criteria provided, multiple submitters, no conflicts (2 of 4 stars). 14 submissions from 14 submitters: Benign (8); Likely benign (2). 4 of the submissions do not count toward it. Last evaluated 2026-09-01.

Conditions:
Cardiovascular phenotype. Identifiers: MedGen CN230736.
Alstrom syndrome (ALMS). Identifiers: Orphanet 64, MedGen C0268425, MONDO:0008763, OMIM 203800.
Monogenic diabetes. Identifiers: Orphanet 183625, MedGen C3888631, MONDO:0015967.

Allele frequency attached by ClinVar (database versions not stated): 1000 Genomes Project 30x 0.00921; 1000 Genomes Project 0.00998; TOPMed 0.01127; ESP Exome Variant Server 0.01200; ExAC 0.01443; gnomAD exomes 0.01472; gnomAD 0.01548.
gnomAD v4.1: 24,815 of 1,611,588 alleles (1.5%); highest among the groups gnomAD compares: Non-Finnish European, 1.6%; 259 homozygotes.

Submissions (14):

CeGaT Center for Human Genetics Tuebingen
Classification: Benign. Last evaluated: 2026-09-01. Review status: criteria provided, single submitter. Criteria: CeGaT Center For Human Genetics Tuebingen Variant Classification Criteria Version 2. Collection method: clinical testing. Allele origin: germline. Affected: yes. Observed: 54 variant alleles.
Comment: ALMS1: BP4, BS1, BS2

Labcorp Genetics (formerly Invitae), Labcorp
Classification: Benign for Alstrom syndrome. Last evaluated: 2026-02-03. Review status: criteria provided, single submitter. Criteria: Invitae Variant Classification Sherloc (09022015). Collection method: clinical testing. Allele origin: germline.

ARUP Laboratories, Molecular Genetics and Genomics, ARUP Laboratories
Classification: Benign for Alstrom syndrome. Last evaluated: 2025-05-20. Review status: criteria provided, single submitter. Criteria: ARUP Molecular Germline Variant Investigation Process 2024. Collection method: clinical testing. Allele origin: germline.

Blueprint Genetics
Classification: Likely benign. Last evaluated: 2024-11-26. Review status: criteria provided, single submitter. Criteria: ACMG Guidelines, 2015. Collection method: clinical testing. Allele origin: germline.

Fulgent Genetics
Classification: Likely benign for Alstrom syndrome. Last evaluated: 2021-09-29. Review status: criteria provided, single submitter. Criteria: ACMG Guidelines, 2015. Collection method: clinical testing. Allele origin: unknown.

Ambry Genetics
Classification: Benign for Cardiovascular phenotype. Last evaluated: 2019-01-09. Review status: criteria provided, single submitter. Criteria: Ambry Variant Classification Scheme 2023. Collection method: clinical testing. Allele origin: germline.

Personalized Diabetes Medicine Program, University of Maryland School of Medicine
Classification: Benign for Monogenic diabetes. Last evaluated: 2018-10-26. Review status: criteria provided, single submitter. Criteria: ACMG Guidelines, 2015. Collection method: research. Allele origin: unknown. Observed: 4 variant alleles, 4 heterozygotes.
Comment: ACMG criteria: BP4 (REVEL =0.006 + 9 predictors), BA1 (1.5% MAF in gnomAD, 3.5 % in gnomAD European Finnish population), BS2 (60 homozygotes in gnomAD)= benign

GeneDx
Classification: Benign. Last evaluated: 2017-11-13. Review status: criteria provided, single submitter. Criteria: GeneDx Variant Classification (06012015). Collection method: clinical testing. Allele origin: germline. Affected: yes.
Comment: This variant is considered likely benign or benign based on one or more of the following criteria: it is a conservative change, it occurs at a poorly conserved position in the protein, it is predicted to be benign by multiple in silico algorithms, and/or has population frequency not consistent with disease.

Laboratory for Molecular Medicine, Mass General Brigham Personalized Medicine
Classification: Benign. Last evaluated: 2016-03-21. Review status: criteria provided, single submitter. Criteria: LMM Criteria. Collection method: clinical testing. Allele origin: germline. Observed: 10 variant alleles.
Comment: p.Asn1786Asp in exon 8 of ALMS1: This variant is not expected to have clinical s ignificance because it has been identified in 3.54% (234/6614) of Finnish chromo somes by the Exome Aggregation Consortium (ExAC; dbSNP rs45608038).

Breakthrough Genomics
Classification: Benign. Review status: criteria provided, single submitter. Criteria: ACMG Guidelines, 2015. Collection method: not provided. Allele origin: germline. Inheritance: Autosomal recessive inheritance. Affected: yes.

Clinical Genetics, Academic Medical Center
Classification: Benign. Review status: no assertion criteria provided. Collection method: clinical testing. Allele origin: germline. Affected: yes. Study: VKGL Data-share Consensus. Not counted in ClinVar's aggregate classification.

Genome Diagnostics Laboratory, University Medical Center Utrecht
Classification: Benign. Review status: no assertion criteria provided. Collection method: clinical testing. Allele origin: germline. Affected: yes. Study: VKGL Data-share Consensus. Not counted in ClinVar's aggregate classification.

Joint Genome Diagnostic Labs from Nijmegen and Maastricht, Radboudumc and MUMC+
Classification: Benign. Review status: no assertion criteria provided. Collection method: clinical testing. Allele origin: germline. Affected: yes. Study: VKGL Data-share Consensus. Not counted in ClinVar's aggregate classification.

Laboratory of Diagnostic Genome Analysis, Leiden University Medical Center (LUMC)
Classification: Likely benign. Review status: no assertion criteria provided. Collection method: clinical testing. Allele origin: germline. Affected: yes. Study: VKGL Data-share Consensus. Not counted in ClinVar's aggregate classification.